The following is an entry in ClinVar:

ClinVar aggregate classification (germline): Uncertain significance. Review status: criteria provided, multiple submitters, no conflicts (2 of 4 stars). 6 submissions from 6 submitters: Uncertain significance (6). Last evaluated 2025-04-09.

Conditions:
Malignant hyperthermia, susceptibility to, 1 (MHS1). Also called: Anesthesia related hyperthermia; Malignant hyperpyrexia; Fulminating hyperpyrexia; Pharmacogenic myopathy; Malignant hyperthermia suceptibility 1; RYR1-Related Malignant Hyperthermia Susceptibility. Identifiers: Orphanet 423, MedGen C2930980, MONDO:0007783, OMIM 145600.
Central core myopathy (CMYO1A). Also called: CONGENITAL MYOPATHY 1A, AUTOSOMAL DOMINANT, WITH SUSCEPTIBILITY TO MALIGNANT HYPERTHERMIA; Central core disease; Myopathy, central fibrillar. Identifiers: Orphanet 597, MedGen C5830701, MONDO:0007294, OMIM 117000.
King Denborough syndrome (KDS). Identifiers: MedGen C1840365, MONDO:0020485, OMIM 619542.
Congenital multicore myopathy with external ophthalmoplegia (CMYO1B). Also called: Minicore myopathy with external ophthalmoplegia; MULTIMINICORE DISEASE WITH EXTERNAL OPHTHALMOPLEGIA; Congenital myopathy 1B, autosomal recessive; Minicore myopathy; MULTICORE MYOPATHY. Identifiers: Orphanet 598, Orphanet 98905, MedGen C1850674, MONDO:0009712, OMIM 255320, HP:0003789.
Congenital myopathy with fiber type disproportion. Also called: Congenital fiber-type disproportion myopathy; Congenital fiber-type disproportion. Identifiers: Orphanet 2020, MedGen C0546264, MONDO:0009711. Inheritance: all.
RYR1-related disorder. Also called: RYR1-related disorders; RYR1-related condition. Identifiers: MedGen CN239331.

Allele frequency attached by ClinVar (database versions not stated): gnomAD exomes 0.00001.
gnomAD v4.1: 23 of 1,576,148 alleles (0.0015%); highest among the groups gnomAD compares: East Asian, 0.0023%; no homozygotes.

Submissions (6):

Labcorp Genetics (formerly Invitae), Labcorp
Classification: Uncertain significance for RYR1-related disorder. Last evaluated: 2025-04-09. Review status: criteria provided, single submitter. Criteria: Invitae Variant Classification Sherloc (09022015). Collection method: clinical testing. Allele origin: germline.
Comment: This sequence change replaces arginine, which is basic and polar, with histidine, which is basic and polar, at codon 1618 of the RYR1 protein (p.Arg1618His). The frequency data for this variant in the population databases is considered unreliable, as metrics indicate poor data quality at this position in the gnomAD database. This variant has not been reported in the literature in individuals affected with RYR1-related conditions. ClinVar contains an entry for this variant (Variation ID: 1513075). Invitae Evidence Modeling of protein sequence and biophysical properties (such as structural, functional, and spatial information, amino acid conservation, physicochemical variation, residue mobility, and thermodynamic stability) indicates that this missense variant is not expected to disrupt RYR1 protein function with a negative predictive value of 80%. In summary, the available evidence is currently insufficient to determine the role of this variant in disease. Therefore, it has been classified as a Variant of Uncertain Significance.

GeneDx
Classification: Uncertain significance. Last evaluated: 2025-03-11. Review status: criteria provided, single submitter. Criteria: GeneDx Variant Classification Process June 2021. Collection method: clinical testing. Allele origin: germline. Affected: yes.
Comment: Not observed at significant frequency in large population cohorts (gnomAD); In silico analysis supports that this missense variant has a deleterious effect on protein structure/function; Has not been previously published as pathogenic or benign in association with RYR1-related disorders to our knowledge; This variant is associated with the following publications: (PMID: 39833541)

Blueprint Genetics
Classification: Uncertain significance. Last evaluated: 2024-10-04. Review status: criteria provided, single submitter. Criteria: ACMG Guidelines, 2015. Collection method: clinical testing. Allele origin: germline.

All of Us Research Program, National Institutes of Health
Classification: Uncertain significance for Malignant hyperthermia, susceptibility to, 1. Last evaluated: 2024-03-05. Review status: criteria provided, single submitter. Criteria: ACMG Guidelines, 2015. Collection method: clinical testing. Allele origin: germline. Inheritance: Autosomal dominant inheritance. Observed: 6 variant alleles, 6 heterozygotes.
Comment: This missense variant replaces arginine with histidine at codon 1618 of the RYR1 protein. Computational prediction is inconclusive regarding the impact of this variant on protein structure and function (internally defined REVEL score threshold 0.5 < inconclusive < 0.7, PMID: 27666373). To our knowledge, functional studies have not been reported for this variant. This variant has not been reported in individuals affected with RYR1-related disorders in the literature. This variant has been identified in 2/187200 chromosomes in the general population by the Genome Aggregation Database (gnomAD). The available evidence is insufficient to determine the role of this variant in disease conclusively. Therefore, this variant is classified as a Variant of Uncertain Significance.

This study involves interpretation of variants in research participants for the purpose of population health screening. Participant phenotype was not available at the time of variant classification. Additional details can be found in publication PMID: 35346344, PMCID: PMC8962531

Color Diagnostics, LLC DBA Color Health
Classification: Uncertain significance for Malignant hyperthermia, susceptibility to, 1. Last evaluated: 2024-02-13. Review status: criteria provided, single submitter. Criteria: ACMG Guidelines, 2015. Collection method: clinical testing. Allele origin: germline.
Comment: This missense variant replaces arginine with histidine at codon 1618 of the RYR1 protein. Computational prediction is inconclusive regarding the impact of this variant on protein structure and function (internally defined REVEL score threshold 0.5 < inconclusive < 0.7, PMID: 27666373). To our knowledge, functional studies have not been reported for this variant. This variant has not been reported in individuals affected with RYR1-related disorders in the literature. This variant has been identified in 2/187200 chromosomes in the general population by the Genome Aggregation Database (gnomAD). The available evidence is insufficient to determine the role of this variant in disease conclusively. Therefore, this variant is classified as a Variant of Uncertain Significance.

Fulgent Genetics
Classification: Uncertain significance for Central core myopathy; Malignant hyperthermia, susceptibility to, 1; Congenital myopathy 4A, autosomal dominant; Congenital multicore myopathy with external ophthalmoplegia; King Denborough syndrome. Last evaluated: 2022-01-11. Review status: criteria provided, single submitter. Criteria: ACMG Guidelines, 2015. Collection method: clinical testing. Allele origin: unknown.

NM_000540.3(RYR1):c.4853G>A (p.Arg1618His)

Gene: RYR1 (ryanodine receptor 1; plus strand). Cytogenetic location: 19q13.2.
Variant type: single nucleotide variant.
Coding change: c.4853G>A on transcript NM_000540.3 (MANE Select); coding-DNA position 4853, G replaced by A.
Protein change: p.Arg1618His; replaces arginine 1618 with histidine.
Molecular consequence: missense variant.
Genome position (GRCh38, 1-based): chr19:38,483,435, G>A. VCF-style: chr19-38483435-G-A. GRCh37 (hg19) VCF-style: chr19-38974075-G-A.
Other names: c.4853G>A, p.Arg1618His (NM_001042723.2); c.4853G>A (NM_000540.2); short protein forms R1618H.
Identifiers: ClinVar variation 1513075 (VCV001513075.13), dbSNP rs957392274, ClinGen allele CA308090675.
Genomic context (GRCh38, chr19:38,483,435, plus strand): 5'-TGCTGATGCCAGTGTCCTGGAGCCGCATGCCCAACCACTTCCTGCAGGTGGAGACGAGGC[G>A]TGCCGGCGAGCGGCTGGGCTGGGCCGTGCAGTGCCAGGAGCCGCTGACCATGATGGCGCT-3'
Protein context (NP_000531.2, residues 1608-1628): PNHFLQVETR[Arg1618His]AGERLGWAVQ